The following is an entry in ClinVar:

ClinVar aggregate classification (germline): Benign. Review status: criteria provided, multiple submitters, no conflicts (2 of 4 stars). 2 submissions from 2 submitters: Benign (2). Last evaluated 2022-12-01.

Allele frequency attached by ClinVar (database versions not stated): 1000 Genomes Project 0.00300; 1000 Genomes Project 30x 0.00344; ExAC 0.00630; gnomAD exomes 0.00639 and 0.01015; gnomAD 0.00720 and 0.00768; TOPMed 0.00825; ESP Exome Variant Server 0.00869.
gnomAD v4.1: 15,889 of 1,611,386 alleles (0.99%); highest among the groups gnomAD compares: Non-Finnish European, 1.2%; 108 homozygotes.

Submissions (8):

CeGaT Center for Human Genetics Tuebingen
Classification: Benign. Last evaluated: 2022-12-01. Review status: criteria provided, single submitter. Criteria: CeGaT Center For Human Genetics Tuebingen Variant Classification Criteria Version 2. Collection method: clinical testing. Allele origin: germline. Affected: yes. Observed: 1 variant allele.
Comment: STAM: BP4, BS1, BS2

Labcorp Genetics (formerly Invitae), Labcorp
Classification: Benign. Last evaluated: 2019-12-31. Review status: criteria provided, single submitter. Criteria: Invitae Variant Classification Sherloc (09022015). Collection method: clinical testing. Allele origin: germline.

Dr. Peter K. Rogan Lab, Western University
No classification provided (evidence only). Condition: Acute myeloid leukemia. Review status: no classification provided. Collection method: in vitro. Allele origin: not applicable. Functional consequence: retained intron. Not counted in ClinVar's aggregate classification.

Dr. Peter K. Rogan Lab, Western University
No classification provided (evidence only). Condition: Colorectal cancer. Review status: no classification provided. Collection method: in vitro. Allele origin: not applicable. Functional consequence: retained intron. Not counted in ClinVar's aggregate classification.

Dr. Peter K. Rogan Lab, Western University
No classification provided (evidence only). Condition: Gastric cancer. Review status: no classification provided. Collection method: in vitro. Allele origin: not applicable. Functional consequence: retained intron. Not counted in ClinVar's aggregate classification.

Dr. Peter K. Rogan Lab, Western University
No classification provided (evidence only). Condition: Gastric cancer. Review status: no classification provided. Collection method: in vitro. Allele origin: not applicable. Functional consequence: retained intron. Not counted in ClinVar's aggregate classification.

Dr. Peter K. Rogan Lab, Western University
No classification provided (evidence only). Condition: Malignant tumor of esophagus. Review status: no classification provided. Collection method: in vitro. Allele origin: not applicable. Functional consequence: retained intron. Not counted in ClinVar's aggregate classification.

Dr. Peter K. Rogan Lab, Western University
No classification provided (evidence only). Condition: Malignant tumor of esophagus. Review status: no classification provided. Collection method: in vitro. Allele origin: not applicable. Functional consequence: retained intron. Not counted in ClinVar's aggregate classification.

NM_003473.4(STAM):c.728+4A>G

Gene: STAM (signal transducing adaptor molecule; plus strand). Cytogenetic location: 10p12.33.
Variant type: single nucleotide variant.
Coding change: c.728+4A>G on transcript NM_003473.4 (MANE Select); 4 bases into the intron after coding-DNA position 728, A replaced by G.
Molecular consequence: intron variant.
Genome position (GRCh38, 1-based): chr10:17,695,245, A>G. VCF-style: chr10-17695245-A-G. GRCh37 (hg19) VCF-style: chr10-17737244-A-G.
Other names: NC_000010.10:g.17737244A>G; c.578+4A>G (NM_001324284.2, NM_001324285.2, NM_001324283.2); c.344+4A>G (NM_001324288.2, NM_001324289.2); c.632+4A>G (NM_001324282.2); c.395+4A>G (NM_001324287.2); c.437+4A>G (NM_001324286.2).
Identifiers: ClinVar variation 782149 (VCV000782149.29), dbSNP rs72782571, ClinGen allele CA5427664.